The following is an entry in ClinVar:

ClinVar aggregate classification (germline): Uncertain significance (1 of 4 stars; one submission).

gnomAD v4.1: 14 of 1,613,892 alleles (0.00087%); highest among the groups gnomAD compares: African/African-American, 0.0013%; no homozygotes.

Submission:

GeneDx
Classification: Uncertain significance. Last evaluated: 2023-11-01. Review status: criteria provided, single submitter. Criteria: GeneDx Variant Classification Process June 2021. Collection method: clinical testing. Allele origin: germline. Affected: yes.
Comment: In silico analysis supports that this missense variant does not alter protein structure/function; Has not been previously published as pathogenic or benign to our knowledge

NM_023935.3(DDRGK1):c.832G>A (p.Ala278Thr)

Gene: DDRGK1 (DDRGK domain containing 1; minus strand). Cytogenetic location: 20p13.
Variant type: single nucleotide variant.
Coding change: c.832G>A on transcript NM_023935.3 (MANE Select); coding-DNA position 832, G replaced by A.
Protein change: p.Ala278Thr; replaces alanine 278 with threonine.
Molecular consequence: missense variant.
Genome position (GRCh38, 1-based): chr20:3,190,766, C>T on the plus strand (G>A on the coding strand, the complement: DDRGK1 is on the minus strand). VCF-style: chr20-3190766-C-T. GRCh37 (hg19) VCF-style: chr20-3171412-C-T.
Other names: short protein forms A278T.
Identifiers: ClinVar variation 3366145 (VCV003366145.1).